The following is an entry in ClinVar:

ClinVar aggregate classification (germline): Likely benign (1 of 4 stars; one submission).

gnomAD v4.1: 1,534 of 1,613,926 alleles (0.095%); highest among the groups gnomAD compares: Admixed American, 0.028%; 17 homozygotes.

Submission:

CeGaT Center for Human Genetics Tuebingen
Classification: Likely benign. Last evaluated: 2026-09-01. Review status: criteria provided, single submitter. Criteria: CeGaT Center For Human Genetics Tuebingen Variant Classification Criteria Version 2. Collection method: clinical testing. Allele origin: germline. Affected: yes. Observed: 1 variant allele.
Comment: EXOSC5: BP4, BP7

NM_020158.4(EXOSC5):c.495C>T (p.Leu165=)

Gene: EXOSC5 (exosome component 5; minus strand). Cytogenetic location: 19q13.2.
Variant type: single nucleotide variant.
Coding change: c.495C>T on transcript NM_020158.4 (MANE Select); coding-DNA position 495, C replaced by T.
Protein change: p.Leu165=; no amino-acid change (leucine 165 retained).
Molecular consequence: synonymous variant.
Genome position (GRCh38, 1-based): chr19:41,389,795, G>A on the plus strand (C>T on the coding strand, the complement: EXOSC5 is on the minus strand). VCF-style: chr19-41389795-G-A. GRCh37 (hg19) VCF-style: chr19-41895700-G-A.
Identifiers: ClinVar variation 5040835 (VCV005040835.1).
Genomic context (GRCh38, chr19:41,389,795, plus strand): 5'-CCCTTCAGCCACCCTGGTCTTCACACCTACCTTTTCTTGCTTGGATGTAGGATCCAGCAC[G>A]AGGGTCCCATCAGAGTCCAGGGCGCAGGCGACCCCACAGAAGAGAGCCCGCATGGGCACA-3'
Protein context (NP_064543.3, residues 155-175): VACALDSDGT[Leu165=]VLDPTSKQEK